The following is an entry in ClinVar:

ClinVar aggregate classification (germline): Uncertain significance (1 of 4 stars; one submission).

Conditions:
Leukodystrophy, hypomyelinating, 6. Also called: LEUKODYSTROPHY, HYPOMYELINATING, WITH ATROPHY OF THE BASAL GANGLIA AND CEREBELLUM; Hypomyelination with Atrophy of Basal Ganglia and Cerebellum (H-ABC); TUBB4A-Associated Leukodystrophy. Identifiers: Orphanet 139441, MedGen C2676244, MONDO:0012905, OMIM 612438.

Submission:

Labcorp Genetics (formerly Invitae), Labcorp
Classification: Uncertain significance for Leukodystrophy, hypomyelinating, 6. Last evaluated: 2023-08-10. Review status: criteria provided, single submitter. Criteria: Invitae Variant Classification Sherloc (09022015). Collection method: clinical testing. Allele origin: germline.
Comment: In summary, the available evidence is currently insufficient to determine the role of this variant in disease. Therefore, it has been classified as a Variant of Uncertain Significance. Advanced modeling of protein sequence and biophysical properties (such as structural, functional, and spatial information, amino acid conservation, physicochemical variation, residue mobility, and thermodynamic stability) performed at Invitae indicates that this missense variant is expected to disrupt TUBB4A protein function. ClinVar contains an entry for this variant (Variation ID: 1720102). This variant has not been reported in the literature in individuals affected with TUBB4A-related conditions. This variant is not present in population databases (gnomAD no frequency). This sequence change replaces tyrosine, which is neutral and polar, with aspartic acid, which is acidic and polar, at codon 222 of the TUBB4A protein (p.Tyr222Asp).

NM_006087.4(TUBB4A):c.664T>G (p.Tyr222Asp)

Gene: TUBB4A (tubulin beta 4A class IVa; minus strand). Cytogenetic location: 19p13.3.
Variant type: single nucleotide variant.
Coding change: c.664T>G on transcript NM_006087.4 (MANE Select); coding-DNA position 664, T replaced by G.
Protein change: p.Tyr222Asp; replaces tyrosine 222 with aspartic acid.
Molecular consequence: missense variant.
Genome position (GRCh38, 1-based): chr19:6,495,835, A>C on the plus strand (T>G on the coding strand, the complement: TUBB4A is on the minus strand). VCF-style: chr19-6495835-A-C. GRCh37 (hg19) VCF-style: chr19-6495846-A-C.
Other names: c.817T>G, p.Tyr273Asp (NM_001289123.2); c.799T>G, p.Tyr267Asp (NM_001289127.2); c.664T>G, p.Tyr222Asp (NM_001289129.2); c.448T>G, p.Tyr150Asp (NM_001289130.2, NM_001289131.2); short protein forms Y150D, Y222D, Y267D, Y273D.
Identifiers: ClinVar variation 1720102 (VCV001720102.5), dbSNP rs2145245042, ClinGen allele CA403591639.